The following is an entry in ClinVar:

NM_020812.4(DOCK6):c.5237G>A (p.Arg1746His)

Gene: DOCK6 (dedicator of cytokinesis 6; minus strand). Cytogenetic location: 19p13.2.
Variant type: single nucleotide variant.
Coding change: c.5237G>A on transcript NM_020812.4 (MANE Select); coding-DNA position 5237, G replaced by A.
Protein change: p.Arg1746His; replaces arginine 1746 with histidine.
Molecular consequence: missense variant.
Genome position (GRCh38, 1-based): chr19:11,202,708, C>T on the plus strand (G>A on the coding strand, the complement: DOCK6 is on the minus strand). VCF-style: chr19-11202708-C-T. GRCh37 (hg19) VCF-style: chr19-11313384-C-T.
Other names: c.5342G>A, p.Arg1781His (NM_001367830.1); short protein forms R1781H, R1746H.
Identifiers: ClinVar variation 1931112 (VCV001931112.5), dbSNP rs764980153, ClinGen allele CA9206553.

ClinVar aggregate classification (germline): Uncertain significance (1 of 4 stars; one submission).

Allele frequency attached by ClinVar (database versions not stated): gnomAD 0.00001; TOPMed 0.00001; ExAC 0.00002; gnomAD exomes 0.00002.
gnomAD v4.1: 36 of 1,613,650 alleles (0.0022%); highest among the groups gnomAD compares: African/African-American, 0.0027%; no homozygotes.

Submission:

Labcorp Genetics (formerly Invitae), Labcorp
Classification: Uncertain significance. Last evaluated: 2024-04-08. Review status: criteria provided, single submitter. Criteria: Invitae Variant Classification Sherloc (09022015). Collection method: clinical testing. Allele origin: germline.
Comment: This sequence change replaces arginine, which is basic and polar, with histidine, which is basic and polar, at codon 1746 of the DOCK6 protein (p.Arg1746His). This variant is present in population databases (rs764980153, gnomAD 0.01%). This variant has not been reported in the literature in individuals affected with DOCK6-related conditions. ClinVar contains an entry for this variant (Variation ID: 1931112). An algorithm developed to predict the effect of missense changes on protein structure and function (PolyPhen-2) suggests that this variant is likely to be disruptive. In summary, the available evidence is currently insufficient to determine the role of this variant in disease. Therefore, it has been classified as a Variant of Uncertain Significance.